The following is an entry in ClinVar:

ClinVar aggregate classification (germline): Uncertain significance. Review status: criteria provided, multiple submitters, no conflicts (2 of 4 stars). 2 submissions from 2 submitters: Uncertain significance (2). Last evaluated 2024-04-02.

Conditions:
Malignant hyperthermia, susceptibility to, 5 (MHS5). Also called: CACNA1S-Related Malignant Hyperthermia Susceptibility. Identifiers: Orphanet 423, MedGen C1866077, MONDO:0011163, OMIM 601887.

Allele frequency attached by ClinVar (database versions not stated): TOPMed below 0.00001; ExAC 0.00016.

Submissions (2):

GeneDx
Classification: Uncertain significance. Last evaluated: 2024-04-02. Review status: criteria provided, single submitter. Criteria: GeneDx Variant Classification Process June 2021. Collection method: clinical testing. Allele origin: germline. Affected: yes.
Comment: Not observed at significant frequency in large population cohorts (gnomAD); In silico analysis supports that this missense variant does not alter protein structure/function; Has not been previously published as pathogenic or benign to our knowledge

All of Us Research Program, National Institutes of Health
Classification: Uncertain significance for Malignant hyperthermia, susceptibility to, 5. Last evaluated: 2023-12-18. Review status: criteria provided, single submitter. Criteria: ACMG Guidelines, 2015. Collection method: clinical testing. Allele origin: germline. Inheritance: Autosomal dominant inheritance. Observed: 2 variant alleles, 2 heterozygotes.
Comment: This missense variant replaces isoleucine with valine at codon 439 of the CACNA1S protein. Computational prediction suggests that this variant may have deleterious impact on protein structure and function (internally defined REVEL score threshold >= 0.7, PMID: 27666373). To our knowledge, functional studies have not been reported for this variant. This variant has not been reported in individuals affected with CACNA1S-related disorders in the literature. This variant has not been identified in the general population by the Genome Aggregation Database (gnomAD). The available evidence is insufficient to determine the role of this variant in disease conclusively. Therefore, this variant is classified as a Variant of Uncertain Significance.

This study involves interpretation of variants in research participants for the purpose of population health screening. Participant phenotype was not available at the time of variant classification. Additional details can be found in publication PMID: 35346344, PMCID: PMC8962531

NM_000069.3(CACNA1S):c.1315A>G (p.Ile439Val)

Gene: CACNA1S (calcium voltage-gated channel subunit alpha1 S; minus strand). Cytogenetic location: 1q32.1.
Variant type: single nucleotide variant.
Coding change: c.1315A>G on transcript NM_000069.3 (MANE Select); coding-DNA position 1315, A replaced by G.
Protein change: p.Ile439Val; replaces isoleucine 439 with valine.
Molecular consequence: missense variant.
Genome position (GRCh38, 1-based): chr1:201,083,240, T>C on the plus strand (A>G on the coding strand, the complement: CACNA1S is on the minus strand). VCF-style: chr1-201083240-T-C. GRCh37 (hg19) VCF-style: chr1-201052368-T-C.
Other names: c.1315A>G (NM_000069.2); short protein forms I439V.
Identifiers: ClinVar variation 3073330 (VCV003073330.2), dbSNP rs776506161, ClinGen allele CA078129.